The following is an entry in ClinVar:

NM_001267550.2(TTN):c.3636dup (p.Glu1213Ter)

Gene: TTN (titin; minus strand). Cytogenetic location: 2q31.2.
Variant type: Duplication.
Coding change: c.3636dup on transcript NM_001267550.2 (MANE Select); coding-DNA position 3636, one base duplicated (T; older notation c.3636dupT).
Protein change: p.Glu1213Ter; replaces glutamic acid 1213 with a stop codon.
Molecular consequence: nonsense.
Genome position (GRCh38, 1-based): chr2:178,780,093, A duplicated on the plus strand (T on the coding strand, the reverse complement: TTN is on the minus strand). VCF-style (leftmost placement, unchanged base first): chr2-178780092-C-CA. GRCh37 (hg19) VCF-style: chr2-179644819-C-CA.
Other names: c.3636dup, p.Glu1213Ter (NM_001256850.1, NM_133378.4, NM_133379.5); c.3498dup, p.Glu1167Ter (NM_003319.4, NM_133432.3, NM_133437.4); c.3498dupT (NM_003319.4); short protein forms E1213*, E1167*.
Identifiers: ClinVar variation 3975773 (VCV003975773.1).

ClinVar aggregate classification (germline): Likely pathogenic (1 of 4 stars; one submission).

Conditions:
Cardiovascular phenotype. Identifiers: MedGen CN230736.

Submission:

Ambry Genetics
Classification: Likely pathogenic for Cardiovascular phenotype. Last evaluated: 2025-04-30. Review status: criteria provided, single submitter. Criteria: Ambry Variant Classification Scheme 2023. Collection method: clinical testing. Allele origin: germline.
Comment: The c.3498dupT variant, located in coding exon 20 of the TTN gene, results from a duplication of T at nucleotide position 3498, causing a translational frameshift with a predicted alternate stop codon (p.E1167*). This exon is located in the near Z-disk region of the N2-B isoform of the titin protein and is constitutively expressed in TTN transcripts (percent spliced in or PSI 100%). This variant is considered to be rare based on population cohorts in the Genome Aggregation Database (gnomAD). This variant is expected to result in loss of function by premature protein truncation or nonsense-mediated mRNA decay. While truncating variants in TTN are present in 1-3% of the general population, truncating variants in the A-band are the most common cause of dilated cardiomyopathy (Herman DS et al. N. Engl. J. Med., 2012 Feb;366:619-28; Roberts AM et al. Sci Transl Med, 2015 Jan;7:270ra6). TTN truncating variants encoded in constitutive exons (PSI >90%) have been found to be significantly associated with DCM regardless of their position in titin (Schafer S et al. Nat. Genet., 2017 01;49:46-53; Akhtar MM et al. Circ Heart Fail, 2020 Oct;13:e006832; Massier M et al. Clin Genet, 2025 Jan). Based on the majority of available evidence to date, this variant is likely to be pathogenic.